The following is an entry in ClinVar:

ClinVar aggregate classification (germline): Conflicting classifications of pathogenicity. Review status: criteria provided, conflicting classifications (1 of 4 stars). 2 submissions from 2 submitters: Pathogenic (1); Uncertain significance (1). Last evaluated 2024-10-18.

Conditions:
Charcot-Marie-Tooth disease type 2A2. Also called: CHARCOT-MARIE-TOOTH DISEASE, AXONAL, TYPE 2A2; CHARCOT-MARIE-TOOTH DISEASE, NEURONAL, TYPE 2A2; HEREDITARY MOTOR AND SENSORY NEUROPATHY IIA2; HMSN IIA2; CHARCOT-MARIE-TOOTH DISEASE, AXONAL, AUTOSOMAL DOMINANT, TYPE 2A2A; Charcot-Marie-Tooth Neuropathy Type 2A2. Identifiers: Orphanet 99947, MedGen C4721887, MONDO:0012231, OMIM 609260.
Charcot-Marie-Tooth disease type 2. Also called: Charcot-Marie-Tooth type 2. Identifiers: Orphanet 64746, MedGen C0270914, MONDO:0018993.

Submissions (2):

Labcorp Genetics (formerly Invitae), Labcorp
Classification: Pathogenic for Charcot-Marie-Tooth disease type 2. Last evaluated: 2024-10-18. Review status: criteria provided, single submitter. Criteria: Invitae Variant Classification Sherloc (09022015). Collection method: clinical testing. Allele origin: germline.
Comment: This sequence change creates a premature translational stop signal (p.Arg7*) in the MFN2 gene. It is expected to result in an absent or disrupted protein product. Loss-of-function variants in MFN2 are known to be pathogenic (PMID: 16714318, 16835246, 21715711, 23781337, 26955893). This variant is not present in population databases (gnomAD no frequency). This variant has not been reported in the literature in individuals affected with MFN2-related conditions. ClinVar contains an entry for this variant (Variation ID: 801440). For these reasons, this variant has been classified as Pathogenic.

Mendelics
Classification: Uncertain significance for Charcot-Marie-Tooth disease type 2A2. Last evaluated: 2019-05-28. Review status: criteria provided, single submitter. Criteria: Mendelics Assertion Criteria 2017. Collection method: clinical testing. Allele origin: unknown.

Literature cited by the submitters: PubMed 16714318 (cited by Labcorp Genetics (formerly Invitae), Labcorp); PubMed 16835246 (cited by Labcorp Genetics (formerly Invitae), Labcorp); PubMed 21715711 (cited by Labcorp Genetics (formerly Invitae), Labcorp); PubMed 23781337 (cited by Labcorp Genetics (formerly Invitae), Labcorp); PubMed 26955893 (cited by Labcorp Genetics (formerly Invitae), Labcorp).

NM_014874.4(MFN2):c.19C>T (p.Arg7Ter)

Gene: MFN2 (mitofusin 2; plus strand). Cytogenetic location: 1p36.22.
Variant type: single nucleotide variant.
Coding change: c.19C>T on transcript NM_014874.4 (MANE Select); coding-DNA position 19, C replaced by T.
Protein change: p.Arg7Ter; replaces arginine 7 with a stop codon.
Molecular consequence: nonsense.
Genome position (GRCh38, 1-based): chr1:11,989,187, C>T. VCF-style: chr1-11989187-C-T. GRCh37 (hg19) VCF-style: chr1-12049244-C-T.
Other names: c.19C>T, p.Arg7Ter (NM_001127660.2); short protein forms R7*.
Identifiers: ClinVar variation 801440 (VCV000801440.3), dbSNP rs1557515779, ClinGen allele CA338459151.